The following is an entry in ClinVar:

NM_002693.3(POLG):c.2982-9T>G

Gene: POLG (DNA polymerase gamma, catalytic subunit; minus strand). Cytogenetic location: 15q26.1.
Variant type: single nucleotide variant.
Coding change: c.2982-9T>G on transcript NM_002693.3 (MANE Select); 9 bases into the intron before coding-DNA position 2982, T replaced by G.
Molecular consequence: intron variant.
Genome position (GRCh38, 1-based): chr15:89,319,359, A>C on the plus strand (T>G on the coding strand, the complement: POLG is on the minus strand). VCF-style: chr15-89319359-A-C. GRCh37 (hg19) VCF-style: chr15-89862590-A-C.
Other names: c.2982-9T>G (NM_002693.2, NM_001126131.2).
Identifiers: ClinVar variation 1050875 (VCV001050875.11), dbSNP rs774707044, ClinGen allele CA7724286.

ClinVar aggregate classification (germline): Conflicting classifications of pathogenicity. Review status: criteria provided, conflicting classifications (1 of 4 stars). 4 submissions from 4 submitters: Uncertain significance (3); Likely benign (1). Last evaluated 2025-05-08.

Conditions:
POLG-related disorder. Also called: POLG-Related Spectrum Disorders; POLG-related condition; POLG-Related Disorders. Identifiers: MedGen C4763519.
Progressive sclerosing poliodystrophy (MTDPS4A). Also called: ALPERS DIFFUSE DEGENERATION OF CEREBRAL GRAY MATTER WITH HEPATIC CIRRHOSIS; Alpers-Huttenlocher Syndrome; ALPERS PROGRESSIVE INFANTILE POLIODYSTROPHY; Mitochondrial DNA Depletion Syndrome 4A; Alpers-Huttenlocher Syndrome (AHS); Mitochondrial DNA depletion syndrome 4A (Alpers type). Identifiers: Orphanet 726, MedGen C0205710, MONDO:0008758, OMIM 203700.

Allele frequency attached by ClinVar (database versions not stated): ExAC 0.00002; gnomAD exomes 0.00003 and 0.00010.
gnomAD v4.1: 161 of 1,613,542 alleles (0.01%); highest among the groups gnomAD compares: Non-Finnish European, 0.013%; no homozygotes.

Submissions (4):

PreventionGenetics, part of Exact Sciences
Classification: Uncertain significance for POLG-related condition. Last evaluated: 2025-05-08. Review status: criteria provided, single submitter. Criteria: ACMG Guidelines, 2015. Collection method: clinical testing. Allele origin: germline.
Comment: The POLG c.2982-9T>G variant is predicted to interfere with splicing. This variant is predicted to alter splicing based on available splicing prediction programs (SpliceAI, Jaganathan et al. 2019. PubMed ID: 30661751). However, the use of computer prediction programs is not equivalent to functional evidence. To our knowledge, this variant has not been reported in the literature. This variant is reported in 0.0085% of alleles in individuals of European (Non-Finnish) descent in gnomAD. At this time, the clinical significance of this variant is uncertain due to the absence of conclusive functional and genetic evidence.

Labcorp Genetics (formerly Invitae), Labcorp
Classification: Likely benign for Progressive sclerosing poliodystrophy. Last evaluated: 2024-10-06. Review status: criteria provided, single submitter. Criteria: Invitae Variant Classification Sherloc (09022015). Collection method: clinical testing. Allele origin: germline.

Blueprint Genetics
Classification: Uncertain significance. Last evaluated: 2023-01-10. Review status: criteria provided, single submitter. Criteria: ACMG Guidelines, 2015. Collection method: clinical testing. Allele origin: germline.

GeneDx
Classification: Uncertain significance. Last evaluated: 2019-12-27. Review status: criteria provided, single submitter. Criteria: GeneDx Variant Classification Process June 2021. Collection method: clinical testing. Allele origin: germline. Affected: yes.
Comment: Not observed at a significant frequency in large population cohorts (Lek et al., 2016); In silico analysis, which includes splice predictors and evolutionary conservation, supports a deleterious effect; Has not been previously published as pathogenic or benign to our knowledge